The following is an entry in ClinVar:

ClinVar aggregate classification (germline): Uncertain significance (1 of 4 stars; one submission).

Allele frequency attached by ClinVar (database versions not stated): gnomAD 0.00001; gnomAD exomes 0.00001; TOPMed 0.00001.
gnomAD v4.1: 8 of 1,613,986 alleles (0.0005%); highest among the groups gnomAD compares: Non-Finnish European, 0.00068%; no homozygotes.

Submission:

Labcorp Genetics (formerly Invitae), Labcorp
Classification: Uncertain significance. Last evaluated: 2022-09-20. Review status: criteria provided, single submitter. Criteria: Invitae Variant Classification Sherloc (09022015). Collection method: clinical testing. Allele origin: germline.
Comment: This variant is present in population databases (no rsID available, gnomAD 0.0009%). In summary, the available evidence is currently insufficient to determine the role of this variant in disease. Therefore, it has been classified as a Variant of Uncertain Significance. Algorithms developed to predict the effect of missense changes on protein structure and function are either unavailable or do not agree on the potential impact of this missense change (SIFT: "Deleterious"; PolyPhen-2: "Probably Damaging"; Align-GVGD: "Class C0"). This variant has not been reported in the literature in individuals affected with ANXA11-related conditions. This sequence change replaces proline, which is neutral and non-polar, with histidine, which is basic and polar, at codon 202 of the ANXA11 protein (p.Pro202His).

NM_145868.2(ANXA11):c.605C>A (p.Pro202His)

Gene: ANXA11 (annexin A11; minus strand). Cytogenetic location: 10q22.3.
Variant type: single nucleotide variant.
Coding change: c.605C>A on transcript NM_145868.2 (MANE Select); coding-DNA position 605, C replaced by A.
Protein change: p.Pro202His; replaces proline 202 with histidine.
Molecular consequence: missense variant.
Genome position (GRCh38, 1-based): chr10:80,167,270, G>T on the plus strand (C>A on the coding strand, the complement: ANXA11 is on the minus strand). VCF-style: chr10-80167270-G-T. GRCh37 (hg19) VCF-style: chr10-81927026-G-T.
Other names: c.605C>A, p.Pro202His (NM_001157.3, NM_001278407.2, NM_001278408.2 and 1 more transcripts); c.506C>A, p.Pro169His (NM_001278409.2); short protein forms P202H, P169H.
Identifiers: ClinVar variation 2009585 (VCV002009585.4), dbSNP rs1043266682, ClinGen allele CA210331155.